The following is an entry in ClinVar:

ClinVar aggregate classification (germline): Benign. Review status: criteria provided, single submitter (1 of 4 stars). 2 submissions from 2 submitters: Benign (1). 1 of the submissions does not count toward it. Last evaluated 2026-01-19.

Conditions:
PHIP-related disorder. Also called: PHIP-related condition; PHIP-related disorders.

Allele frequency attached by ClinVar (database versions not stated): gnomAD 0.00001; TOPMed 0.00006; ExAC 0.00009.
gnomAD v4.1: 50 of 1,599,602 alleles (0.0031%); highest among the groups gnomAD compares: Admixed American, 0.082%; no homozygotes.

Submissions (2):

Labcorp Genetics (formerly Invitae), Labcorp
Classification: Benign. Last evaluated: 2026-01-19. Review status: criteria provided, single submitter. Criteria: Invitae Variant Classification Sherloc (09022015). Collection method: clinical testing. Allele origin: germline.

PreventionGenetics, part of Exact Sciences
Classification: Likely benign for PHIP-related condition. Last evaluated: 2021-09-28. Review status: no assertion criteria provided. Collection method: clinical testing. Allele origin: germline. Not counted in ClinVar's aggregate classification.
Comment: This variant is classified as likely benign based on ACMG/AMP sequence variant interpretation guidelines (Richards et al. 2015 PMID: 25741868, with internal and published modifications).

NM_017934.7(PHIP):c.924-7A>G

Gene: PHIP (PHIP subunit of CUL4-Ring ligase complex; minus strand). Cytogenetic location: 6q14.1.
Variant type: single nucleotide variant.
Coding change: c.924-7A>G on transcript NM_017934.7 (MANE Select); 7 bases into the intron before coding-DNA position 924, A replaced by G.
Molecular consequence: intron variant.
Genome position (GRCh38, 1-based): chr6:79,019,166, T>C on the plus strand (A>G on the coding strand, the complement: PHIP is on the minus strand). VCF-style: chr6-79019166-T-C. GRCh37 (hg19) VCF-style: chr6-79728883-T-C.
Other names: c.924-7A>G (NM_017934.6).
Identifiers: ClinVar variation 2055151 (VCV002055151.6), dbSNP rs755581829, ClinGen allele CA3900273.